The following is an entry in ClinVar:

ClinVar aggregate classification (germline): Uncertain significance (1 of 4 stars; one submission).

Allele frequency attached by ClinVar (database versions not stated): gnomAD exomes below 0.00001.
gnomAD v4.1: 15 of 1,604,208 alleles (0.00094%); highest among the groups gnomAD compares: East Asian, 0.013%; no homozygotes.

Submission:

Labcorp Genetics (formerly Invitae), Labcorp
Classification: Uncertain significance. Last evaluated: 2020-10-19. Review status: criteria provided, single submitter. Criteria: Invitae Variant Classification Sherloc (09022015). Collection method: clinical testing. Allele origin: germline.
Comment: This sequence change replaces proline with leucine at codon 826 of the CDHR1 protein (p.Pro826Leu). The proline residue is weakly conserved and there is a moderate physicochemical difference between proline and leucine. This variant is not present in population databases (ExAC no frequency). This variant has not been reported in the literature in individuals with CDHR1-related conditions. Advanced modeling of protein sequence and biophysical properties (such as structural, functional, and spatial information, amino acid conservation, physicochemical variation, residue mobility, and thermodynamic stability) performed at Invitae indicates that this missense variant is not expected to disrupt CDHR1 protein function. In summary, the available evidence is currently insufficient to determine the role of this variant in disease. Therefore, it has been classified as a Variant of Uncertain Significance.

NM_033100.4(CDHR1):c.2477C>T (p.Pro826Leu)

Gene: CDHR1 (cadherin related family member 1; plus strand). Cytogenetic location: 10q23.1.
Variant type: single nucleotide variant.
Coding change: c.2477C>T on transcript NM_033100.4 (MANE Select); coding-DNA position 2477, C replaced by T.
Protein change: p.Pro826Leu; replaces proline 826 with leucine.
Molecular consequence: missense variant. On other transcripts: intron variant (1).
Genome position (GRCh38, 1-based): chr10:84,214,518, C>T. VCF-style: chr10-84214518-C-T. GRCh37 (hg19) VCF-style: chr10-85974274-C-T.
Other names: c.2040+1170C>T (NM_001171971.3); short protein forms P826L.
Identifiers: ClinVar variation 1062080 (VCV001062080.9), dbSNP rs1173189717, ClinGen allele CA377380157.